The following is an entry in ClinVar:

NM_005219.5(DIAPH1):c.1136G>A (p.Arg379Gln)

Gene: DIAPH1 (diaphanous related formin 1; minus strand). Cytogenetic location: 5q31.3.
Variant type: single nucleotide variant.
Coding change: c.1136G>A on transcript NM_005219.5 (MANE Select); coding-DNA position 1136, G replaced by A.
Protein change: p.Arg379Gln; replaces arginine 379 with glutamine.
Molecular consequence: missense variant.
Genome position (GRCh38, 1-based): chr5:141,578,252, C>T on the plus strand (G>A on the coding strand, the complement: DIAPH1 is on the minus strand). VCF-style: chr5-141578252-C-T. GRCh37 (hg19) VCF-style: chr5-140957819-C-T.
Other names: c.1109G>A, p.Arg370Gln (NM_001079812.3); c.1136G>A, p.Arg379Gln (NM_001314007.2); short protein forms R370Q, R379Q.
Identifiers: ClinVar variation 4791814 (VCV004791814.1).
Genomic context (GRCh38, chr5:141,578,252, plus strand): 5'-CATCTGCCTTGAACCTAGTCAGCAAAAGGATATTCCATCTCCATGCGAATGTCATCCAGC[C>T]GTCCCTTCAGGTCATAGGAATCCTCTTCCCCTTGTTCATCAAACACATTTAGTTGCACTC-3'
Protein context (NP_005210.3, residues 369-389): GEEDSYDLKG[Arg379Gln]LDDIRMEMDD

ClinVar aggregate classification (germline): Uncertain significance (1 of 4 stars; one submission).

Conditions:
Progressive microcephaly-seizures-cortical blindness-developmental delay syndrome. Also called: Seizures, cortical blindness, and microcephaly syndrome. Identifiers: Orphanet 477814, MedGen C5567650, MONDO:0014714, OMIM 616632.
Autosomal dominant nonsyndromic hearing loss 1. Also called: KONIGSMARK SYNDROME; DEAFNESS, AUTOSOMAL DOMINANT 1, WITH OR WITHOUT THROMBOCYTOPENIA. Identifiers: Orphanet 90635, MedGen C1852282, MONDO:0007424, OMIM 124900.

gnomAD v4.1: 3 of 1,613,952 alleles (0.00019%); highest among the groups gnomAD compares: Admixed American, 0.0017%; no homozygotes.

Submission:

Labcorp Genetics (formerly Invitae), Labcorp
Classification: Uncertain significance for Progressive microcephaly-seizures-cortical blindness-developmental delay syndrome; Autosomal dominant nonsyndromic hearing loss 1. Last evaluated: 2025-02-10. Review status: criteria provided, single submitter. Criteria: Invitae Variant Classification Sherloc (09022015). Collection method: clinical testing. Allele origin: germline.
Comment: This sequence change replaces arginine, which is basic and polar, with glutamine, which is neutral and polar, at codon 379 of the DIAPH1 protein (p.Arg379Gln). This variant is present in population databases (rs776665040, gnomAD 0.003%). This variant has not been reported in the literature in individuals affected with DIAPH1-related conditions. Experimental studies and prediction algorithms are not available or were not evaluated, and the functional significance of this variant is currently unknown. In summary, the available evidence is currently insufficient to determine the role of this variant in disease. Therefore, it has been classified as a Variant of Uncertain Significance.